The following is an entry in ClinVar:

ClinVar aggregate classification (germline): Conflicting classifications of pathogenicity. Review status: criteria provided, conflicting classifications (1 of 4 stars). 5 submissions from 5 submitters: Uncertain significance (2); Likely benign (2). 1 of the submissions does not count toward it. Last evaluated 2025-08-17.

Conditions:
Inborn genetic diseases. Identifiers: MedGen C0950123, MeSH D030342.
Dyskeratosis congenita. Identifiers: Orphanet 1775, MedGen C0265965, MONDO:0015780.
Dyskeratosis congenita, autosomal recessive 5 (DKCB5). Identifiers: MedGen C3554656, MONDO:0014076, OMIM 615190.
Pulmonary fibrosis and/or bone marrow failure, Telomere-related, 3. Also called: PULMONARY FIBROSIS AND/OR BONE MARROW FAILURE SYNDROME, TELOMERE-RELATED, 3. Identifiers: Orphanet 2032, MedGen C4225346, MONDO:0014613, OMIM 616373.

Allele frequency attached by ClinVar (database versions not stated): gnomAD 0.00001; gnomAD exomes 0.00003; TOPMed 0.00003; ExAC 0.00007.
gnomAD v4.1: 42 of 1,598,144 alleles (0.0026%); highest among the groups gnomAD compares: Non-Finnish European, 0.003%; no homozygotes.

Submissions (5):

Labcorp Genetics (formerly Invitae), Labcorp
Classification: Uncertain significance for Dyskeratosis congenita, autosomal recessive 5; Pulmonary fibrosis and/or bone marrow failure, Telomere-related, 3. Last evaluated: 2025-08-17. Review status: criteria provided, single submitter. Criteria: Invitae Variant Classification Sherloc (09022015). Collection method: clinical testing. Allele origin: germline.
Comment: This sequence change replaces arginine, which is basic and polar, with glutamine, which is neutral and polar, at codon 828 of the RTEL1 protein (p.Arg828Gln). The frequency data for this variant in the population databases is considered unreliable, as metrics indicate poor data quality at this position in the gnomAD database. This variant has not been reported in the literature in individuals affected with RTEL1-related conditions. ClinVar contains an entry for this variant (Variation ID: 1025410). An algorithm developed to predict the effect of missense changes on protein structure and function outputs the following: PolyPhen-2: "Benign". The glutamine amino acid residue is found in multiple mammalian species, which suggests that this missense change does not adversely affect protein function. In summary, the available evidence is currently insufficient to determine the role of this variant in disease. Therefore, it has been classified as a Variant of Uncertain Significance.

GeneDx
Classification: Uncertain significance. Last evaluated: 2024-08-12. Review status: criteria provided, single submitter. Criteria: GeneDx Variant Classification Process June 2021. Collection method: clinical testing. Allele origin: germline. Affected: yes.
Comment: In silico analysis indicates that this missense variant does not alter protein structure/function; Has not been previously published as pathogenic or benign to our knowledge

Ambry Genetics
Classification: Likely benign for Inborn genetic diseases. Last evaluated: 2024-01-08. Review status: criteria provided, single submitter. Criteria: Ambry Variant Classification Scheme 2023. Collection method: clinical testing. Allele origin: germline.

Blueprint Genetics
Classification: Likely benign. Last evaluated: 2023-08-14. Review status: criteria provided, single submitter. Criteria: ACMG Guidelines, 2015. Collection method: clinical testing. Allele origin: germline.

Natera, Inc.
Classification: Uncertain significance for Dyskeratosis congenita. Last evaluated: 2020-01-10. Review status: no assertion criteria provided. Collection method: clinical testing. Allele origin: germline. Not counted in ClinVar's aggregate classification.

NM_001283009.2(RTEL1):c.2483G>A (p.Arg828Gln)

Genes: RTEL1 (regulator of telomere elongation helicase 1; plus strand), RTEL1-TNFRSF6B (RTEL1-TNFRSF6B readthrough (NMD candidate); plus strand). Cytogenetic location: 20q13.33.
Variant type: single nucleotide variant.
Coding change: c.2483G>A on transcript NM_001283009.2 (MANE Select); coding-DNA position 2483, G replaced by A.
Protein change: p.Arg828Gln; replaces arginine 828 with glutamine.
Molecular consequence: missense variant. On other transcripts: non-coding transcript variant (1).
Genome position (GRCh38, 1-based): chr20:63,690,874, G>A. VCF-style: chr20-63690874-G-A. GRCh37 (hg19) VCF-style: chr20-62322227-G-A.
Other names: c.1814G>A, p.Arg605Gln (NM_001283010.1); c.2483G>A, p.Arg828Gln (NM_016434.4); c.2555G>A, p.Arg852Gln (NM_032957.5); c.2555G>A (NM_032957.4); short protein forms R605Q, R828Q, R852Q.
Identifiers: ClinVar variation 1025410 (VCV001025410.9), dbSNP rs774640608, ClinGen allele CA9965374.